The following is an entry in ClinVar:

NM_024408.4(NOTCH2):c.2219+5G>A

Gene: NOTCH2 (notch receptor 2; minus strand). Cytogenetic location: 1p12.
Variant type: single nucleotide variant.
Coding change: c.2219+5G>A on transcript NM_024408.4 (MANE Select); 5 bases into the intron after coding-DNA position 2219, G replaced by A.
Molecular consequence: intron variant.
Genome position (GRCh38, 1-based): chr1:119,955,035, C>T on the plus strand (G>A on the coding strand, the complement: NOTCH2 is on the minus strand). VCF-style: chr1-119955035-C-T. GRCh37 (hg19) VCF-style: chr1-120497658-C-T.
Other names: c.2219+5G>A (NM_001200001.2).
Identifiers: ClinVar variation 2871378 (VCV002871378.3), dbSNP rs2101124273, ClinGen allele CA2696944337.

ClinVar aggregate classification (germline): Uncertain significance (1 of 4 stars; one submission).

Conditions:
Hajdu-Cheney syndrome (HJCYS). Also called: SERPENTINE FIBULA-POLYCYSTIC KIDNEY SYNDROME; Acroosteolysis dominant type; ACROOSTEOLYSIS WITH OSTEOPOROSIS AND CHANGES IN SKULL AND MANDIBLE. Identifiers: Orphanet 955, MedGen C0917715, MONDO:0007057, OMIM 102500.

Submission:

Labcorp Genetics (formerly Invitae), Labcorp
Classification: Uncertain significance for Hajdu-Cheney syndrome. Last evaluated: 2024-04-16. Review status: criteria provided, single submitter. Criteria: Invitae Variant Classification Sherloc (09022015). Collection method: clinical testing. Allele origin: germline.
Comment: This sequence change falls in intron 13 of the NOTCH2 gene. It does not directly change the encoded amino acid sequence of the NOTCH2 protein. It affects a nucleotide within the consensus splice site. This variant is not present in population databases (gnomAD no frequency). This variant has not been reported in the literature in individuals affected with NOTCH2-related conditions. Variants that disrupt the consensus splice site are a relatively common cause of aberrant splicing (PMID: 17576681, 9536098). Algorithms developed to predict the effect of sequence changes on RNA splicing suggest that this variant may disrupt the consensus splice site. In summary, the available evidence is currently insufficient to determine the role of this variant in disease. Therefore, it has been classified as a Variant of Uncertain Significance.

Literature cited by the submitters: PubMed 17576681; PubMed 9536098.